The following is an entry in ClinVar:

ClinVar aggregate classification (germline): Uncertain significance (1 of 4 stars; one submission).

Allele frequency attached by ClinVar (database versions not stated): gnomAD exomes below 0.00001.
gnomAD v4.1: 1 of 1,613,858 alleles (0.000062%); highest among the groups gnomAD compares: Non-Finnish European, 0.000085%; no homozygotes.

Submission:

CeGaT Center for Human Genetics Tuebingen
Classification: Uncertain significance. Last evaluated: 2022-05-01. Review status: criteria provided, single submitter. Criteria: CeGaT Center For Human Genetics Tuebingen Variant Classification Criteria Version 2. Collection method: clinical testing. Allele origin: germline. Affected: yes. Observed: 1 variant allele.
Comment: BAG3: PM2, BP4

NM_004281.4(BAG3):c.537C>G (p.Cys179Trp)

Gene: BAG3 (BAG cochaperone 3; plus strand). Cytogenetic location: 10q26.11.
Variant type: single nucleotide variant.
Coding change: c.537C>G on transcript NM_004281.4 (MANE Select); coding-DNA position 537, C replaced by G.
Protein change: p.Cys179Trp; replaces cysteine 179 with tryptophan.
Molecular consequence: missense variant.
Genome position (GRCh38, 1-based): chr10:119,672,284, C>G. VCF-style: chr10-119672284-C-G. GRCh37 (hg19) VCF-style: chr10-121431796-C-G.
Other names: short protein forms C179W.
Identifiers: ClinVar variation 1694571 (VCV001694571.31), dbSNP rs1564774433, ClinGen allele CA378295295.